The following is an entry in ClinVar:

ClinVar aggregate classification (germline): Likely benign (0 of 4 stars; one submission).

Conditions:
LRIG1-related disorder. Also called: LRIG1-related condition.

Allele frequency attached by ClinVar (database versions not stated): TOPMed 0.00005; ExAC 0.00007; gnomAD exomes 0.00007; gnomAD 0.00008.
gnomAD v4.1: 117 of 1,614,062 alleles (0.0072%); highest among the groups gnomAD compares: Non-Finnish European, 0.0096%; no homozygotes.

Submission:

PreventionGenetics, part of Exact Sciences
Classification: Likely benign for LRIG1-related condition. Last evaluated: 2020-01-23. Review status: no assertion criteria provided. Collection method: clinical testing. Allele origin: germline.
Comment: This variant is classified as likely benign based on ACMG/AMP sequence variant interpretation guidelines (Richards et al. 2015 PMID: 25741868, with internal and published modifications).

NM_015541.3(LRIG1):c.648-5T>C

Gene: LRIG1 (leucine rich repeats and immunoglobulin like domains 1; minus strand). Cytogenetic location: 3p14.1.
Variant type: single nucleotide variant.
Coding change: c.648-5T>C on transcript NM_015541.3 (MANE Select); 5 bases into the intron before coding-DNA position 648, T replaced by C.
Molecular consequence: intron variant.
Genome position (GRCh38, 1-based): chr3:66,413,019, A>G on the plus strand (T>C on the coding strand, the complement: LRIG1 is on the minus strand). VCF-style: chr3-66413019-A-G. GRCh37 (hg19) VCF-style: chr3-66463443-A-G.
Other names: c.-133-5T>C (NM_001377345.1, NM_001377346.1); c.573-5T>C (NM_001377344.1).
Identifiers: ClinVar variation 3045119 (VCV003045119.2), dbSNP rs768382271, ClinGen allele CA2485093.